The following is an entry in ClinVar:

NM_001844.5(COL2A1):c.1122+2T>A

Gene: COL2A1 (collagen type II alpha 1 chain; minus strand). Cytogenetic location: 12q13.11.
Variant type: single nucleotide variant.
Coding change: c.1122+2T>A on transcript NM_001844.5 (MANE Select); the canonical splice donor site of the intron after coding-DNA position 1122, T replaced by A.
Molecular consequence: splice donor variant.
Genome position (GRCh38, 1-based): chr12:47,989,226, A>T on the plus strand (T>A on the coding strand, the complement: COL2A1 is on the minus strand). VCF-style: chr12-47989226-A-T. GRCh37 (hg19) VCF-style: chr12-48383009-A-T.
Other names: c.915+2T>A (NM_033150.3).
Identifiers: ClinVar variation 845998 (VCV000845998.10), dbSNP rs1939584878, ClinGen allele CA384555214.

ClinVar aggregate classification (germline): Likely pathogenic (1 of 4 stars; one submission).

Submission:

Labcorp Genetics (formerly Invitae), Labcorp
Classification: Likely pathogenic. Last evaluated: 2019-12-05. Review status: criteria provided, single submitter. Criteria: Invitae Variant Classification Sherloc (09022015). Collection method: clinical testing. Allele origin: germline.
Comment: In summary, the currently available evidence indicates that the variant is pathogenic, but additional data are needed to prove that conclusively. Therefore, this variant has been classified as Likely Pathogenic. Donor and acceptor splice site variants typically lead to a loss of protein function (PMID: 16199547), and loss-of-function variants in COL2A1 are known to be pathogenic (PMID: 20179744). Algorithms developed to predict the effect of sequence changes on RNA splicing suggest that this variant may disrupt the consensus splice site, but this prediction has not been confirmed by published transcriptional studies. This variant has been observed in individual(s) with Stickler syndrome (Invitae). This variant is not present in population databases (ExAC no frequency). This sequence change affects a donor splice site in intron 18 of the COL2A1 gene. It is expected to disrupt RNA splicing and likely results in an absent or disrupted protein product.

Literature cited by the submitters: PubMed 16199547; PubMed 20179744.